The following is an entry in ClinVar:

NM_001042424.3(NSD2):c.3740_3742del (p.Asp1247del)

Gene: NSD2 (nuclear receptor binding SET domain protein 2; plus strand). Cytogenetic location: 4p16.3.
Variant type: Deletion.
Coding change: c.3740_3742del on transcript NM_001042424.3 (MANE Select); coding-DNA positions 3740 to 3742, 3 bases deleted (ATG; older notation c.3740_3742delATG).
Protein change: p.Asp1247del; deletes aspartic acid 1247.
Molecular consequence: inframe deletion.
Genome position (GRCh38, 1-based): chr4:1,976,593-1,976,595, ATG deleted; deleting any 3 consecutive bases within chr4:1,976,591-1,976,595 gives the same sequence; the c. name uses the placement nearest the transcript's 3' end. VCF-style (leftmost placement, unchanged base first): chr4-1976590-GTGA-G. GRCh37 (hg19) VCF-style: chr4-1978317-GTGA-G.
Other names: c.3740_3742del, p.Asp1247del (NM_001440892.1, NM_133330.3, NM_133331.3 and 1 more transcripts); c.3839_3841del, p.Asp1280del (NM_001440893.1); c.3623_3625del, p.Asp1208del (NM_001440894.1); c.3593_3595del, p.Asp1198del (NM_001440895.1); c.3539_3541del, p.Asp1180del (NM_001440896.1); c.3533_3535del, p.Asp1178del (NM_001440897.1); c.3416_3418del, p.Asp1139del (NM_001440898.1); c.2771_2773del, p.Asp924del (NM_001440899.1, NM_001440900.1); short protein forms D1139del, D1180del, D1198del, D924del, D1208del, D1247del, D1178del, D1280del.
Identifiers: ClinVar variation 5009335 (VCV005009335.1).

ClinVar aggregate classification (germline): Uncertain significance (1 of 4 stars; one submission).

Submission:

GeneDx
Classification: Uncertain significance. Last evaluated: 2026-03-20. Review status: criteria provided, single submitter. Criteria: GeneDx Variant Classification Process June 2021. Collection method: clinical testing. Allele origin: germline.
Comment: Not observed at significant frequency in large population cohorts (gnomAD); In-frame deletion of 1 amino acid(s) in a non-repeat region; In silico analysis supports a deleterious effect on protein structure/function; Has not been previously published as pathogenic or benign to our knowledge